The following is an entry in ClinVar:

ClinVar aggregate classification (germline): Conflicting classifications of pathogenicity. Review status: criteria provided, conflicting classifications (1 of 4 stars). 17 submissions from 17 submitters: Uncertain significance (1); Benign (2); Likely benign (11). 3 of the submissions do not count toward it. Last evaluated 2026-07-01.

Conditions:
Familial thoracic aortic aneurysm and aortic dissection (TAAD). Also called: Thoracic aortic aneurysms and dissections. Identifiers: Orphanet 91387, MedGen C4707243, MONDO:0019625.
Aortic aneurysm, familial thoracic 4 (AAT4). Also called: AORTIC ANEURYSM/AORTIC DISSECTION AND PATENT DUCTUS ARTERIOSUS. Identifiers: MedGen C1851504, MONDO:0007568, OMIM 132900.

Allele frequency attached by ClinVar (database versions not stated): 1000 Genomes Project 30x 0.00031; 1000 Genomes Project 0.00040; ExAC 0.00046; ESP Exome Variant Server 0.00046; TOPMed 0.00048; gnomAD 0.00061; gnomAD exomes 0.00066.
gnomAD v4.1: 1,043 of 1,614,200 alleles (0.065%); highest among the groups gnomAD compares: Non-Finnish European, 0.079%; 3 homozygotes.

Submissions (17):

CeGaT Center for Human Genetics Tuebingen
Classification: Likely benign. Last evaluated: 2026-07-01. Review status: criteria provided, single submitter. Criteria: CeGaT Center For Human Genetics Tuebingen Variant Classification Criteria Version 2. Collection method: clinical testing. Allele origin: germline. Affected: yes. Observed: 10 variant alleles.
Comment: MYH11: BP4, BP7

Molecular Diagnostic Laboratory for Inherited Cardiovascular Disease, Montreal Heart Institute
Classification: Likely benign. Last evaluated: 2026-03-27. Review status: criteria provided, single submitter. Criteria: ACMG Guidelines, 2015. Collection method: clinical testing. Allele origin: germline. Affected: no.
Comment: BP7

Labcorp Genetics (formerly Invitae), Labcorp
Classification: Likely benign for Aortic aneurysm, familial thoracic 4. Last evaluated: 2026-02-03. Review status: criteria provided, single submitter. Criteria: Invitae Variant Classification Sherloc (09022015). Collection method: clinical testing. Allele origin: germline.

Mayo Clinic Laboratories, Mayo Clinic
Classification: Likely benign. Last evaluated: 2025-01-13. Review status: criteria provided, single submitter. Criteria: ACMG Guidelines, 2015. Collection method: clinical testing. Allele origin: germline. Observed: 1 variant allele.
Comment: BS1, BP4, BP7

ARUP Laboratories, Molecular Genetics and Genomics, ARUP Laboratories
Classification: Likely benign. Last evaluated: 2024-11-25. Review status: criteria provided, single submitter. Criteria: ARUP Molecular Germline Variant Investigation Process 2024. Collection method: clinical testing. Allele origin: germline.

Blueprint Genetics
Classification: Likely benign. Last evaluated: 2024-11-13. Review status: criteria provided, single submitter. Criteria: ACMG Guidelines, 2015. Collection method: clinical testing. Allele origin: germline.

All of Us Research Program, National Institutes of Health
Classification: Likely benign for Familial thoracic aortic aneurysm and aortic dissection. Last evaluated: 2024-02-05. Review status: criteria provided, single submitter. Criteria: ACMG Guidelines, 2015. Collection method: clinical testing. Allele origin: germline. Inheritance: Autosomal dominant inheritance. Observed: 153 variant alleles, 153 heterozygotes.
Comment: This study involves interpretation of variants in research participants for the purpose of population health screening. Participant phenotype was not available at the time of variant classification. Additional details can be found in publication PMID: 35346344, PMCID: PMC8962531

CHEO Genetics Diagnostic Laboratory, Children's Hospital of Eastern Ontario
Classification: Likely benign for Familial thoracic aortic aneurysm and aortic dissection. Last evaluated: 2023-04-04. Review status: criteria provided, single submitter. Criteria: ACMG Guidelines, 2015. Collection method: clinical testing. Allele origin: germline.

Color Diagnostics, LLC DBA Color Health
Classification: Likely benign for Familial thoracic aortic aneurysm and aortic dissection. Last evaluated: 2018-11-08. Review status: criteria provided, single submitter. Criteria: ACMG Guidelines, 2015. Collection method: clinical testing. Allele origin: germline.

Women's Health and Genetics/Laboratory Corporation of America, LabCorp
Classification: Benign. Last evaluated: 2018-05-07. Review status: criteria provided, single submitter. Criteria: LabCorp Variant Classification Summary - May 2015. Collection method: clinical testing. Allele origin: germline.
Comment: Variant summary: MYH11 c.2070C>T alters a non-conserved nucleotide resulting in a synonymous change. 5/5 computational tools predict no significant impact on normal splicing. However, these predictions have yet to be confirmed by functional studies. The variant allele was found at a frequency of 0.00053 in 276362 control chromosomes. The observed variant frequency is approximately 423 fold above the estimated maximal expected allele frequency for a pathogenic variant in MYH11 causing Aortopathy phenotype (1.3e-06), strongly suggesting that the variant is benign. To our knowledge, no occurrence of c.2070C>T in individuals affected with Aortopathy and no experimental evidence demonstrating its impact on protein function have been reported. Four clinical diagnostic laboratories have submitted clinical-significance assessments for this variant to ClinVar after 2014 without evidence for independent evaluation, three of whom have classified the variant as "Likely Benign". Based on the evidence outlined above, the variant was classified as benign.

Illumina Laboratory Services, Illumina
Classification: Uncertain significance for Aortic aneurysm, familial thoracic 4. Last evaluated: 2018-01-13. Review status: criteria provided, single submitter. Criteria: ICSL Variant Classification Criteria 13 December 2019. Collection method: clinical testing. Allele origin: germline.

Clinical Genetics DNA and cytogenetics Diagnostics Lab, Erasmus MC, Erasmus Medical Center
Classification: Likely benign for Aortic aneurysm, familial thoracic 4. Last evaluated: 2017-06-28. Review status: criteria provided, single submitter. Criteria: ACGS Guidelines, 2013. Collection method: clinical testing. Allele origin: germline. Affected: yes. Study: VKGL Data-share Consensus.

Ambry Genetics
Classification: Likely benign for Familial thoracic aortic aneurysm and aortic dissection. Last evaluated: 2015-05-11. Review status: criteria provided, single submitter. Criteria: Ambry Variant Classification Scheme 2023. Collection method: clinical testing. Allele origin: germline.

GeneDx
Classification: Benign. Last evaluated: 2015-03-03. Review status: criteria provided, single submitter. Criteria: GeneDx Variant Classification Process June 2021. Collection method: clinical testing. Allele origin: germline. Affected: yes.

Genome Diagnostics Laboratory, Amsterdam University Medical Center
Classification: Likely benign for Aortic aneurysm, familial thoracic 4. Last evaluated: 2014-11-19. Review status: no assertion criteria provided. Criteria: ACGS Guidelines, 2013. Collection method: clinical testing. Allele origin: germline. Affected: yes. Study: VKGL Data-share Consensus. Not counted in ClinVar's aggregate classification.

Genome Diagnostics Laboratory, University Medical Center Utrecht
Classification: Likely benign. Review status: no assertion criteria provided. Collection method: clinical testing. Allele origin: germline. Affected: yes. Study: VKGL Data-share Consensus. Not counted in ClinVar's aggregate classification.

Joint Genome Diagnostic Labs from Nijmegen and Maastricht, Radboudumc and MUMC+
Classification: Likely benign. Review status: no assertion criteria provided. Collection method: clinical testing. Allele origin: germline. Affected: yes. Study: VKGL Data-share Consensus. Not counted in ClinVar's aggregate classification.

NM_002474.3(MYH11):c.2049C>T (p.His683=)

Gene: MYH11 (myosin heavy chain 11; minus strand). Cytogenetic location: 16p13.11.
Variant type: single nucleotide variant.
Coding change: c.2049C>T on transcript NM_002474.3 (MANE Select); coding-DNA position 2049, C replaced by T.
Protein change: p.His683=; no amino-acid change (histidine 683 retained).
Molecular consequence: synonymous variant.
Genome position (GRCh38, 1-based): chr16:15,750,147, G>A on the plus strand (C>T on the coding strand, the complement: MYH11 is on the minus strand). VCF-style: chr16-15750147-G-A. GRCh37 (hg19) VCF-style: chr16-15844004-G-A.
Other names: p.His690=; c.2070C>T, p.His690= (NM_001040113.2, NM_001040114.2); c.2049C>T, p.His683= (NM_022844.3).
Identifiers: ClinVar variation 220799 (VCV000220799.79), dbSNP rs150924100, ClinGen allele CA349733.